The following is an entry in ClinVar:

ClinVar aggregate classification (germline): Uncertain significance. Review status: criteria provided, multiple submitters, no conflicts (2 of 4 stars). 3 submissions from 3 submitters: Uncertain significance (2). 1 of the submissions does not count toward it. Last evaluated 2025-06-10.

Conditions:
Usher syndrome type 1 (USH1). Also called: RETINITIS PIGMENTOSA AND CONGENITAL DEAFNESS. Identifiers: Orphanet 231169, Orphanet 886, MedGen C1568247, MONDO:0010168, OMIM 276900.

Allele frequency attached by ClinVar (database versions not stated): gnomAD exomes 0.00001; gnomAD 0.00001; ESP Exome Variant Server 0.00008; ExAC 0.00001; TOPMed 0.00001.
gnomAD v4.1: 11 of 1,613,920 alleles (0.00068%); highest among the groups gnomAD compares: Non-Finnish European, 0.00093%; no homozygotes.

Submissions (3):

GeneDx
Classification: Uncertain significance. Last evaluated: 2025-06-10. Review status: criteria provided, single submitter. Criteria: GeneDx Variant Classification Process June 2021. Collection method: clinical testing. Allele origin: germline. Affected: yes.
Comment: Not observed at significant frequency in large population cohorts (gnomAD); In silico analysis suggests that this missense variant does not alter protein structure/function; Has not been previously published as pathogenic or benign to our knowledge

Labcorp Genetics (formerly Invitae), Labcorp
Classification: Uncertain significance. Last evaluated: 2021-09-24. Review status: criteria provided, single submitter. Criteria: Invitae Variant Classification Sherloc (09022015). Collection method: clinical testing. Allele origin: germline.
Comment: This sequence change replaces asparagine with serine at codon 1156 of the CDH23 protein (p.Asn1156Ser). The asparagine residue is moderately conserved and there is a small physicochemical difference between asparagine and serine. This variant is present in population databases (rs375367387, ExAC 0.002%). This variant has not been reported in the literature in individuals affected with CDH23-related conditions. ClinVar contains an entry for this variant (Variation ID: 989825). Algorithms developed to predict the effect of missense changes on protein structure and function output the following: SIFT: "Tolerated"; PolyPhen-2: "Not Available"; Align-GVGD: "Class C0". The serine amino acid residue is found in multiple mammalian species, which suggests that this missense change does not adversely affect protein function. Algorithms developed to predict the effect of sequence changes on RNA splicing suggest that this variant may create or strengthen a splice site. In summary, the available evidence is currently insufficient to determine the role of this variant in disease. Therefore, it has been classified as a Variant of Uncertain Significance.

Natera, Inc.
Classification: Uncertain significance for Usher syndrome type 1. Last evaluated: 2020-04-13. Review status: no assertion criteria provided. Collection method: clinical testing. Allele origin: germline. Not counted in ClinVar's aggregate classification.

NM_022124.6(CDH23):c.3467A>G (p.Asn1156Ser)

Genes: C10orf105 (chromosome 10 open reading frame 105; minus strand), CDH23 (cadherin related 23; plus strand). Cytogenetic location: 10q22.1.
Variant type: single nucleotide variant.
Coding change: c.3467A>G on transcript NM_022124.6 (MANE Select); coding-DNA position 3467, A replaced by G.
Protein change: p.Asn1156Ser; replaces asparagine 1156 with serine.
Molecular consequence: missense variant. On other transcripts: intron variant (1).
Genome position (GRCh38, 1-based): chr10:71,725,408, A>G. VCF-style: chr10-71725408-A-G. GRCh37 (hg19) VCF-style: chr10-73485165-A-G.
Other names: c.3467A>G (NM_022124.5); c.3467A>G, p.Asn1156Ser (NM_001171930.2); c.-5-9066T>C (NM_001168390.2); short protein forms N1156S.
Identifiers: ClinVar variation 989825 (VCV000989825.7), dbSNP rs375367387, ClinGen allele CA5544740.